The following is an entry in ClinVar:

NM_001003722.2(GLE1):c.54C>G (p.Asp18Glu)

Gene: GLE1 (GLE1 RNA export mediator; plus strand). Cytogenetic location: 9q34.11.
Variant type: single nucleotide variant.
Coding change: c.54C>G on transcript NM_001003722.2 (MANE Select); coding-DNA position 54, C replaced by G.
Protein change: p.Asp18Glu; replaces aspartic acid 18 with glutamic acid.
Molecular consequence: missense variant.
Genome position (GRCh38, 1-based): chr9:128,504,859, C>G. VCF-style: chr9-128504859-C-G. GRCh37 (hg19) VCF-style: chr9-131267138-C-G.
Other names: c.54C>G, p.Asp18Glu (NM_001499.2); short protein forms D18E.
Identifiers: ClinVar variation 365131 (VCV000365131.8), dbSNP rs549769200, ClinGen allele CA5263452.
Genomic context (GRCh38, chr9:128,504,859, plus strand): 5'-GCCAACCATGCCGTCTGAGGGTCGCTGCTGGGAGACCTTGAAGGCCCTACGCAGTTCCGA[C>G]AAAGGTCGCCTTTGCTACTACCGCGACTGGCTGCTGCGGCGCGAGGTGAGCGGTGGCCCC-3'
Protein context (NP_001003722.1, residues 8-28): WETLKALRSS[Asp18Glu]KGRLCYYRDW

ClinVar aggregate classification (germline): Conflicting classifications of pathogenicity. Review status: criteria provided, conflicting classifications (1 of 4 stars). 5 submissions from 4 submitters: Uncertain significance (4); Likely benign (1). Last evaluated 2024-09-20.

Conditions:
Lethal arthrogryposis-anterior horn cell disease syndrome (CAAHD). Also called: CONGENITAL ARTHROGRYPOSIS WITH ANTERIOR HORN CELL DISEASE. Identifiers: Orphanet 53696, MedGen C5193016, MONDO:0012750, OMIM 611890.
Lethal congenital contracture syndrome 1 (LCCS1). Also called: MULTIPLE CONTRACTURE SYNDROME, FINNISH TYPE. Identifiers: Orphanet 1486, MedGen C1854664, MONDO:0009670, OMIM 253310.

Allele frequency attached by ClinVar (database versions not stated): gnomAD 0.00006 and 0.00008; gnomAD exomes 0.00008 and 0.00019; TOPMed 0.00013; ExAC 0.00021; 1000 Genomes Project 30x 0.00047; 1000 Genomes Project 0.00060.
gnomAD v4.1: 141 of 1,613,630 alleles (0.0087%); highest among the groups gnomAD compares: South Asian, 0.12%; no homozygotes.

Submissions (5):

3billion
Classification: Likely benign for Lethal arthrogryposis-anterior horn cell disease syndrome; Lethal congenital contracture syndrome 1. Last evaluated: 2024-09-20. Review status: criteria provided, single submitter. Criteria: ACMG Guidelines, 2015. Collection method: clinical testing. Allele origin: germline. Affected: no.
Comment: The homozygous variant was found in patients diagnosed with another variant in a different gene, with no symptoms related to the gene containing the homozygous variant.

Fulgent Genetics
Classification: Uncertain significance for Lethal congenital contracture syndrome 1; Lethal arthrogryposis-anterior horn cell disease syndrome. Last evaluated: 2024-05-15. Review status: criteria provided, single submitter. Criteria: ACMG Guidelines, 2015. Collection method: clinical testing. Allele origin: germline.

Baylor Genetics
Classification: Uncertain significance for Lethal arthrogryposis-anterior horn cell disease syndrome. Last evaluated: 2018-01-19. Review status: criteria provided, single submitter. Criteria: ACMG Guidelines, 2015. Collection method: clinical testing. Allele origin: maternal. Affected: yes.
Comment: This variant was determined to be of uncertain significance according to ACMG Guidelines, 2015 [PMID:25741868].

Illumina Laboratory Services, Illumina
Classification: Uncertain significance for Lethal congenital contracture syndrome 1. Last evaluated: 2018-01-13. Review status: criteria provided, single submitter. Criteria: ICSL Variant Classification Criteria 13 December 2019. Collection method: clinical testing. Allele origin: germline.

Illumina Laboratory Services, Illumina
Classification: Uncertain significance for Lethal arthrogryposis-anterior horn cell disease syndrome. Last evaluated: 2018-01-13. Review status: criteria provided, single submitter. Criteria: ICSL Variant Classification Criteria 13 December 2019. Collection method: clinical testing. Allele origin: germline.